The following is an entry in ClinVar:

NM_025207.5(FLAD1):c.1309C>T (p.Arg437Cys)

Gene: FLAD1 (flavin adenine dinucleotide synthetase 1; plus strand). Cytogenetic location: 1q21.3.
Variant type: single nucleotide variant.
Coding change: c.1309C>T on transcript NM_025207.5 (MANE Select); coding-DNA position 1309, C replaced by T.
Protein change: p.Arg437Cys; replaces arginine 437 with cysteine.
Molecular consequence: missense variant.
Genome position (GRCh38, 1-based): chr1:154,990,202, C>T. VCF-style: chr1-154990202-C-T. GRCh37 (hg19) VCF-style: chr1-154962678-C-T.
Other names: c.1018C>T, p.Arg340Cys (NM_001184891.2, NM_201398.3); short protein forms R340C, R437C.
Identifiers: ClinVar variation 1593006 (VCV001593006.10), dbSNP rs146865554, ClinGen allele CA1134532.
Genomic context (GRCh38, chr1:154,990,202, plus strand): 5'-TTCTTCCCCCTCTGCAGGAAATTACCTGATGTTCCAAACCCCCTCCAGATCCTGTATATC[C>T]GCAGCATCTCCCCTTTCCCTGAGCTGGAACAGTTTCTACAGGACACTATCAAGAGGTACT-3'
Protein context (NP_079483.3, residues 427-447): VPNPLQILYI[Arg437Cys]SISPFPELEQ

ClinVar aggregate classification (germline): Conflicting classifications of pathogenicity. Review status: criteria provided, conflicting classifications (1 of 4 stars). 3 submissions from 3 submitters: Uncertain significance (2); Likely benign (1). Last evaluated 2026-01-08.

Allele frequency attached by ClinVar (database versions not stated): ESP Exome Variant Server 0.00038; 1000 Genomes Project 0.00060; 1000 Genomes Project 30x 0.00062; gnomAD 0.00071 and 0.00077.

Submissions (3):

Labcorp Genetics (formerly Invitae), Labcorp
Classification: Likely benign. Last evaluated: 2026-01-08. Review status: criteria provided, single submitter. Criteria: Invitae Variant Classification Sherloc (09022015). Collection method: clinical testing. Allele origin: germline.

Blueprint Genetics
Classification: Uncertain significance. Last evaluated: 2024-10-09. Review status: criteria provided, single submitter. Criteria: ACMG Guidelines, 2015. Collection method: clinical testing. Allele origin: germline.

GeneDx
Classification: Uncertain significance. Last evaluated: 2022-12-01. Review status: criteria provided, single submitter. Criteria: GeneDx Variant Classification Process June 2021. Collection method: clinical testing. Allele origin: germline. Affected: yes.
Comment: In silico analysis, which includes protein predictors and evolutionary conservation, supports a deleterious effect; Has not been previously published as pathogenic or benign to our knowledge